The following is an entry in ClinVar:

NM_000069.3(CACNA1S):c.2507A>G (p.Asp836Gly)

Gene: CACNA1S (calcium voltage-gated channel subunit alpha1 S; minus strand). Cytogenetic location: 1q32.1.
Variant type: single nucleotide variant.
Coding change: c.2507A>G on transcript NM_000069.3 (MANE Select); coding-DNA position 2507, A replaced by G.
Protein change: p.Asp836Gly; replaces aspartic acid 836 with glycine.
Molecular consequence: missense variant.
Genome position (GRCh38, 1-based): chr1:201,069,180, T>C on the plus strand (A>G on the coding strand, the complement: CACNA1S is on the minus strand). VCF-style: chr1-201069180-T-C. GRCh37 (hg19) VCF-style: chr1-201038308-T-C.
Other names: short protein forms D836G.
Identifiers: ClinVar variation 583042 (VCV000583042.9), dbSNP rs1558067263, ClinGen allele CA344106010.

ClinVar aggregate classification (germline): Uncertain significance (1 of 4 stars; one submission).

Conditions:
Hypokalemic periodic paralysis, type 1. Also called: HypoPP; Hypokalemic Periodic Paralysis Type 1 (AD). Identifiers: Orphanet 681, MedGen C3714580, MONDO:0042979, OMIM 170400.
Malignant hyperthermia, susceptibility to, 5 (MHS5). Also called: CACNA1S-Related Malignant Hyperthermia Susceptibility. Identifiers: Orphanet 423, MedGen C1866077, MONDO:0011163, OMIM 601887.

Submission:

Labcorp Genetics (formerly Invitae), Labcorp
Classification: Uncertain significance for Hypokalemic periodic paralysis, type 1; Malignant hyperthermia, susceptibility to, 5. Last evaluated: 2023-11-27. Review status: criteria provided, single submitter. Criteria: Invitae Variant Classification Sherloc (09022015). Collection method: clinical testing. Allele origin: germline.
Comment: This sequence change replaces aspartic acid, which is acidic and polar, with glycine, which is neutral and non-polar, at codon 836 of the CACNA1S protein (p.Asp836Gly). This variant is not present in population databases (gnomAD no frequency). This variant has not been reported in the literature in individuals affected with CACNA1S-related conditions. ClinVar contains an entry for this variant (Variation ID: 583042). Advanced modeling of protein sequence and biophysical properties (such as structural, functional, and spatial information, amino acid conservation, physicochemical variation, residue mobility, and thermodynamic stability) performed at Invitae indicates that this missense variant is expected to disrupt CACNA1S protein function with a positive predictive value of 80%. In summary, the available evidence is currently insufficient to determine the role of this variant in disease. Therefore, it has been classified as a Variant of Uncertain Significance.